The following is an entry in ClinVar:

ClinVar aggregate classification (germline): Uncertain significance (1 of 4 stars; one submission).

gnomAD v4.1: 8 of 1,613,518 alleles (0.0005%); highest among the groups gnomAD compares: Non-Finnish European, 0.00068%; no homozygotes.

Submission:

GeneDx
Classification: Uncertain significance. Last evaluated: 2026-01-17. Review status: criteria provided, single submitter. Criteria: GeneDx Variant Classification Process June 2021. Collection method: clinical testing. Allele origin: germline. Affected: yes.
Comment: Not observed at significant frequency in large population cohorts (gnomAD); In silico analysis supports that this missense variant has a deleterious effect on protein structure/function; Has not been previously published as pathogenic or benign to our knowledge

NM_001377265.1(MAPT):c.1355G>T (p.Arg452Leu)

Gene: MAPT (microtubule associated protein tau). Cytogenetic location: 17q21.31.
Variant type: single nucleotide variant.
Coding change: c.1355G>T on transcript NM_001377265.1 (MANE Select); coding-DNA position 1355, G replaced by T.
Protein change: p.Arg452Leu; replaces arginine 452 with leucine.
Molecular consequence: missense variant. On other transcripts: non-coding transcript variant (1).
Genome position (GRCh38, 1-based): chr17:45,987,043, G>T. VCF-style: chr17-45987043-G-T. GRCh37 (hg19) VCF-style: chr17-44064409-G-T.
Other names: c.1130G>T, p.Arg377Leu (NM_001123066.4, NM_016835.5); c.290G>T, p.Arg97Leu (NM_001123067.4, NM_001203251.2, NM_001377267.1); c.377G>T, p.Arg126Leu (NM_001203252.2, NM_005910.6); c.1355G>T, p.Arg452Leu (NM_001377266.1); c.203G>T, p.Arg68Leu (NM_016841.5, NM_001377268.1, NM_016834.5); short protein forms R126L, R377L, R452L, R68L, R97L.
Identifiers: ClinVar variation 3602341 (VCV003602341.2).